The following is an entry in ClinVar:

ClinVar aggregate classification (germline): Conflicting classifications of pathogenicity. Review status: criteria provided, conflicting classifications (1 of 4 stars). 4 submissions from 4 submitters: Pathogenic (1); Likely pathogenic (2); Uncertain significance (1). Last evaluated 2026-04-14.

Conditions:
Familial intrahepatic cholestasis. Identifiers: Orphanet 284385, MedGen CN296401, MONDO:0017290.
Progressive familial intrahepatic cholestasis type 1. Also called: Severe ATP8B1 Deficiency (Progressive Familial Intrahepatic Cholestasis Type 1 [PFIC1]); BYLER DISEASE; Byler's disease. Identifiers: Orphanet 79306, MedGen C4551898, MONDO:0008892, OMIM 211600.

Allele frequency attached by ClinVar (database versions not stated): gnomAD 0.00001; gnomAD exomes 0.00001.
gnomAD v4.1: 7 of 1,537,152 alleles (0.00046%); highest among the groups gnomAD compares: South Asian, 0.0011%; no homozygotes.

Submissions (4):

Genomenon, Inc
Classification: Uncertain significance for Familial intrahepatic cholestasis. Last evaluated: 2026-04-14. Review status: criteria provided, single submitter. Criteria: Genomenon Sequence Variant Interpretation Standards - Updated. Collection method: curation. Allele origin: germline. Affected: yes.
Comment: ATP8B1 c.1029G>A is a synonymous variant that retains Threonine at residue 343. This variant has been observed in at least one proband with features of ATP8B1-deficiency (PMID:34543749). RNA studies from patient-derived cells demonstrated absence of the mutant transcript, supporting an abnormal splicing effect with predicted loss of function (PMID:34543749). It is absent or not present at a significant frequency in gnomAD. In silico models predict that this variant is possibly or probably damaging. In conclusion, we classify ATP8B1 p.Thr343= (c.1029G>A) as a variant of uncertain significance.

GeneDx
Classification: Likely pathogenic. Last evaluated: 2024-06-10. Review status: criteria provided, single submitter. Criteria: GeneDx Variant Classification Process June 2021. Collection method: clinical testing. Allele origin: germline. Affected: yes.
Comment: RNA studies demonstrate a damaging effect on splicing with qualitative complete loss of expression (PMID: 34543749); In silico analysis supports a deleterious effect on splicing; This variant is associated with the following publications: (PMID: 34543749)

Labcorp Genetics (formerly Invitae), Labcorp
Classification: Likely pathogenic. Last evaluated: 2023-11-14. Review status: criteria provided, single submitter. Criteria: Invitae Variant Classification Sherloc (09022015). Collection method: clinical testing. Allele origin: germline.
Comment: This sequence change affects codon 343 of the ATP8B1 mRNA. It is a 'silent' change, meaning that it does not change the encoded amino acid sequence of the ATP8B1 protein. This variant also falls at the last nucleotide of exon 11, which is part of the consensus splice site for this exon. This variant is present in population databases (rs765716200, gnomAD 0.003%). This variant has been observed in individuals with progressive familial intrahepatic cholestasis type 1 (PMID: 34543749; external communication). ClinVar contains an entry for this variant (Variation ID: 1164071). Variants that disrupt the consensus splice site are a relatively common cause of aberrant splicing (PMID: 17576681, 9536098). Studies have shown that this variant is associated with altered splicing resulting in 34543749 (unknown protein product impact). In summary, the currently available evidence indicates that the variant is pathogenic, but additional data are needed to prove that conclusively. Therefore, this variant has been classified as Likely Pathogenic.

The Center for Pediatric Liver Diseases, Children’s Hospital of Fudan University
Classification: Pathogenic for Progressive familial intrahepatic cholestasis type 1. Last evaluated: 2021-06-03. Review status: criteria provided, single submitter. Criteria: ACMG Guidelines, 2015. Collection method: clinical testing. Allele origin: germline. Affected: yes. Observed: 1 variant allele.

Literature cited by the submitters: PubMed 34543749 (cited by Genomenon, Inc and Labcorp Genetics (formerly Invitae), Labcorp); PubMed 17576681 (cited by Labcorp Genetics (formerly Invitae), Labcorp); PubMed 9536098 (cited by Labcorp Genetics (formerly Invitae), Labcorp).

NM_001374385.1(ATP8B1):c.1029G>A (p.Thr343=)

Genes: ATP8B1 (ATPase phospholipid transporting 8B1; minus strand), LOC126862761 (CDK7 strongly-dependent group 2 enhancer GRCh37_chr18:55360919-55362118; plus strand). Cytogenetic location: 18q21.31.
Variant type: single nucleotide variant.
Coding change: c.1029G>A on transcript NM_001374385.1 (MANE Select); coding-DNA position 1029, G replaced by A.
Protein change: p.Thr343=; no amino-acid change (threonine 343 retained).
Molecular consequence: synonymous variant.
Genome position (GRCh38, 1-based): chr18:57,694,582, C>T on the plus strand (G>A on the coding strand, the complement: ATP8B1 is on the minus strand). VCF-style: chr18-57694582-C-T. GRCh37 (hg19) VCF-style: chr18-55361814-C-T.
Other names: c.1029G>A (NM_005603.4); c.879G>A, p.Thr293= (NM_001374386.1); c.1029G>A, p.Thr343= (NM_005603.6).
Identifiers: ClinVar variation 1164071 (VCV001164071.6), dbSNP rs765716200, ClinGen allele CA300861361.